The following is an entry in ClinVar:

NM_002335.4(LRP5):c.3427+5G>A

Gene: LRP5 (LDL receptor related protein 5; plus strand). Cytogenetic location: 11q13.2.
Variant type: single nucleotide variant.
Coding change: c.3427+5G>A on transcript NM_002335.4 (MANE Select); 5 bases into the intron after coding-DNA position 3427, G replaced by A.
Molecular consequence: intron variant.
Genome position (GRCh38, 1-based): chr11:68,425,297, G>A. VCF-style: chr11-68425297-G-A. GRCh37 (hg19) VCF-style: chr11-68192765-G-A.
Other names: c.1684+5G>A (NM_001291902.2).
Identifiers: ClinVar variation 1061993 (VCV001061993.8), dbSNP rs763683223, ClinGen allele CA6149971.

ClinVar aggregate classification (germline): Uncertain significance. Review status: criteria provided, multiple submitters, no conflicts (2 of 4 stars). 2 submissions from 2 submitters: Uncertain significance (2). Last evaluated 2024-05-14.

Conditions:
Bone mineral density quantitative trait locus 1 (BMND1). Identifiers: MedGen C1866079, OMIM 601884.
Worth disease. Also called: ENDOSTEAL HYPEROSTOSIS, AUTOSOMAL DOMINANT; OSTEOSCLEROSIS, AUTOSOMAL DOMINANT; Autosomal dominant osteosclerosis, Worth type. Identifiers: Orphanet 2790, MedGen C0432273, MONDO:0007764, OMIM 144750.
Exudative vitreoretinopathy 4 (EVR4). Identifiers: Orphanet 891, MedGen C1866176, MONDO:0011151, OMIM 601813.
Polycystic liver disease 4 with or without kidney cysts. Identifiers: MedGen C4693479, MONDO:0044327, OMIM 617875.
Autosomal dominant osteopetrosis 1 (OPTA1). Also called: OSTEOPETROSIS, AUTOSOMAL DOMINANT, TYPE I. Identifiers: Orphanet 2783, MedGen C1843330, MONDO:0011877, OMIM 607634.
Osteoporosis with pseudoglioma (OPPG). Also called: osteoporosis-pseudoglioma syndrome. Identifiers: Orphanet 2788, MedGen C0432252, MONDO:0009820, OMIM 259770.

Allele frequency attached by ClinVar (database versions not stated): ExAC 0.00001; gnomAD exomes 0.00001; gnomAD 0.00003; TOPMed 0.00003.
gnomAD v4.1: 19 of 1,602,226 alleles (0.0012%); highest among the groups gnomAD compares: East Asian, 0.0089%; no homozygotes.

Submissions (2):

Fulgent Genetics
Classification: Uncertain significance for Worth disease; Osteoporosis with pseudoglioma; Exudative vitreoretinopathy 4; Bone mineral density quantitative trait locus 1; Autosomal dominant osteopetrosis 1; Polycystic liver disease 4 with or without kidney cysts. Last evaluated: 2024-05-14. Review status: criteria provided, single submitter. Criteria: ACMG Guidelines, 2015. Collection method: clinical testing. Allele origin: germline.

Labcorp Genetics (formerly Invitae), Labcorp
Classification: Uncertain significance. Last evaluated: 2022-02-05. Review status: criteria provided, single submitter. Criteria: Invitae Variant Classification Sherloc (09022015). Collection method: clinical testing. Allele origin: germline.
Comment: In summary, the available evidence is currently insufficient to determine the role of this variant in disease. Therefore, it has been classified as a Variant of Uncertain Significance. Variants that disrupt the consensus splice site are a relatively common cause of aberrant splicing (PMID: 17576681, 9536098). Algorithms developed to predict the effect of sequence changes on RNA splicing suggest that this variant may disrupt the consensus splice site. ClinVar contains an entry for this variant (Variation ID: 1061993). This variant has not been reported in the literature in individuals affected with LRP5-related conditions. The frequency data for this variant in the population databases is considered unreliable, as metrics indicate poor data quality at this position in the gnomAD database. This sequence change falls in intron 15 of the LRP5 gene. It does not directly change the encoded amino acid sequence of the LRP5 protein. It affects a nucleotide within the consensus splice site.

Literature cited by the submitters: PubMed 17576681 (cited by Labcorp Genetics (formerly Invitae), Labcorp); PubMed 9536098 (cited by Labcorp Genetics (formerly Invitae), Labcorp).